The following is an entry in ClinVar:

NM_004036.5(ADCY3):c.1938G>A (p.Thr646=)

Gene: ADCY3 (adenylate cyclase 3; minus strand). Cytogenetic location: 2p23.3.
Variant type: single nucleotide variant.
Coding change: c.1938G>A on transcript NM_004036.5 (MANE Select); coding-DNA position 1938, G replaced by A.
Protein change: p.Thr646=; no amino-acid change (threonine 646 retained).
Molecular consequence: synonymous variant.
Genome position (GRCh38, 1-based): chr2:24,834,514, C>T on the plus strand (G>A on the coding strand, the complement: ADCY3 is on the minus strand). VCF-style: chr2-24834514-C-T. GRCh37 (hg19) VCF-style: chr2-25057383-C-T.
Other names: c.1938G>A, p.Thr646= (NM_001320613.2, NM_001377129.1, NM_001377130.1 and 1 more transcripts); c.2004G>A, p.Thr668= (NM_001377128.1); c.1215G>A, p.Thr405= (NM_001377131.1).
Identifiers: ClinVar variation 4979882 (VCV004979882.1).

ClinVar aggregate classification (germline): Likely benign (1 of 4 stars; one submission).

Conditions:
ADCY3-related disorder. Also called: ADCY3-related condition.

Submission:

PreventionGenetics, part of Exact Sciences
Classification: Likely benign for ADCY3-related condition. Last evaluated: 2025-03-07. Review status: criteria provided, single submitter. Criteria: ACMG Guidelines, 2015. Collection method: clinical testing. Allele origin: germline.
Comment: This variant is classified as likely benign based on ACMG/AMP sequence variant interpretation guidelines (Richards et al. 2015 PMID: 25741868, with internal and published modifications).